The following is an entry in ClinVar:

NM_001105206.3(LAMA4):c.2745G>A (p.Val915=)

Genes: LAMA4 (laminin subunit alpha 4; minus strand), LOC126859766 (MED14-independent group 3 enhancer GRCh37_chr6:112462018-112463217; plus strand). Cytogenetic location: 6q21.
Variant type: single nucleotide variant.
Coding change: c.2745G>A on transcript NM_001105206.3 (MANE Select); coding-DNA position 2745, G replaced by A.
Protein change: p.Val915=; no amino-acid change (valine 915 retained).
Molecular consequence: synonymous variant.
Genome position (GRCh38, 1-based): chr6:112,141,426, C>T on the plus strand (G>A on the coding strand, the complement: LAMA4 is on the minus strand). VCF-style: chr6-112141426-C-T. GRCh37 (hg19) VCF-style: chr6-112462628-C-T.
Other names: c.2724G>A, p.Val908= (NM_001105207.3, NM_002290.5); c.2724G>A (NM_002290.3, NM_002290.4).
Identifiers: ClinVar variation 626728 (VCV000626728.14), dbSNP rs1554333214, ClinGen allele CA451603524.

ClinVar aggregate classification (germline): Likely benign. Review status: criteria provided, multiple submitters, no conflicts (2 of 4 stars). 4 submissions from 4 submitters: Likely benign (3). 1 of the submissions does not count toward it. Last evaluated 2024-03-11.

Conditions:
Dilated cardiomyopathy 1JJ (CMD1JJ). Identifiers: Orphanet 154, MedGen C3808935, MONDO:0014095, OMIM 615235.
Cardiomyopathy (CMYO). Also called: Cardiomyopathies. Identifiers: Orphanet 167848, MedGen C0878544, MONDO:0004994, HP:0001638. Inheritance: Various modes of inheritance.
LAMA4-related disorder. Also called: LAMA4-related condition.
Cardiovascular phenotype. Identifiers: MedGen CN230736.

Allele frequency attached by ClinVar (database versions not stated): gnomAD exomes below 0.00001; gnomAD 0.00001.
gnomAD v4.1: 6 of 1,613,270 alleles (0.00037%); highest among the groups gnomAD compares: Non-Finnish European, 0.00051%; no homozygotes.

Submissions (4):

Ambry Genetics
Classification: Likely benign for Cardiovascular phenotype. Last evaluated: 2024-03-11. Review status: criteria provided, single submitter. Criteria: Ambry Variant Classification Scheme 2023. Collection method: clinical testing. Allele origin: germline.

Labcorp Genetics (formerly Invitae), Labcorp
Classification: Likely benign for Dilated cardiomyopathy 1JJ. Last evaluated: 2021-05-08. Review status: criteria provided, single submitter. Criteria: Invitae Variant Classification Sherloc (09022015). Collection method: clinical testing. Allele origin: germline.

CHEO Genetics Diagnostic Laboratory, Children's Hospital of Eastern Ontario
Classification: Likely benign for Cardiomyopathy. Last evaluated: 2017-10-31. Review status: criteria provided, single submitter. Criteria: ACMG Guidelines, 2015. Collection method: clinical testing. Allele origin: germline.

PreventionGenetics, part of Exact Sciences
Classification: Likely benign for LAMA4-related condition. Last evaluated: 2019-03-13. Review status: no assertion criteria provided. Collection method: clinical testing. Allele origin: germline. Not counted in ClinVar's aggregate classification.
Comment: This variant is classified as likely benign based on ACMG/AMP sequence variant interpretation guidelines (Richards et al. 2015 PMID: 25741868, with internal and published modifications).